The following is an entry in ClinVar:

ClinVar aggregate classification (germline): Benign. Review status: criteria provided, multiple submitters, no conflicts (2 of 4 stars). 2 submissions from 2 submitters: Benign (2). Last evaluated 2018-01-12.

Conditions:
Osteogenesis imperfecta type 11. Also called: OI, TYPE XI; Osteogenesis imperfecta, type XI. Identifiers: Orphanet 666, MedGen C3151218, MONDO:0012592, OMIM 610968.

Allele frequency attached by ClinVar (database versions not stated): gnomAD 0.75834 and 0.76197; gnomAD exomes 0.76690; TOPMed 0.78046; 1000 Genomes Project 0.78754; 1000 Genomes Project 30x 0.79076.
gnomAD v4.1: 239,973 of 313,892 alleles (76%); highest among the groups gnomAD compares: Admixed American, 85%; 92,192 homozygotes.

Submissions (2):

Illumina Laboratory Services, Illumina
Classification: Benign for Osteogenesis imperfecta type 11. Last evaluated: 2018-01-12. Review status: criteria provided, single submitter. Criteria: ICSL Variant Classification Criteria 13 December 2019. Collection method: clinical testing. Allele origin: germline.
Comment: This variant was observed in the ICSL laboratory as part of a predisposition screen in an ostensibly healthy population. It had not been previously curated by ICSL or reported in the Human Gene Mutation Database (HGMD: prior to June 1st, 2018), and was therefore a candidate for classification through an automated scoring system. Utilizing variant allele frequency, disease prevalence and penetrance estimates, and inheritance mode, an automated score was calculated to assess if this variant is too frequent to cause the disease. Based on the score and internal cut-off values, a variant classified as benign is not then subjected to further curation. The score for this variant resulted in a classification of benign for this disease.

Breakthrough Genomics
Classification: Benign. Review status: criteria provided, single submitter. Criteria: ACMG Guidelines, 2015. Collection method: not provided. Allele origin: germline. Inheritance: Autosomal recessive inheritance. Affected: yes.

NM_021939.4(FKBP10):c.*421C>G

Gene: FKBP10 (FKBP prolyl isomerase 10; plus strand). Cytogenetic location: 17q21.2.
Variant type: single nucleotide variant.
Coding change: c.*421C>G on transcript NM_021939.4 (MANE Select); 421 bases downstream of the stop codon, C replaced by G.
Molecular consequence: 3 prime UTR variant.
Genome position (GRCh38, 1-based): chr17:41,822,829, C>G. VCF-style: chr17-41822829-C-G. GRCh37 (hg19) VCF-style: chr17-39979081-C-G.
Identifiers: ClinVar variation 323198 (VCV000323198.6), dbSNP rs1043005, ClinGen allele CA10645651.